The following is an entry in ClinVar:

ClinVar aggregate classification (germline): Uncertain significance. Review status: criteria provided, multiple submitters, no conflicts (2 of 4 stars). 2 submissions from 2 submitters: Uncertain significance (2). Last evaluated 2025-03-28.

Conditions:
Primary ciliary dyskinesia. Also called: Ciliary dyskinesia. Identifiers: Orphanet 244, MedGen C0008780, MONDO:0016575, HP:0012265.

Allele frequency attached by ClinVar (database versions not stated): gnomAD exomes below 0.00001 and 0.00001; TOPMed below 0.00001.
gnomAD v4.1: 4 of 1,613,904 alleles (0.00025%); highest among the groups gnomAD compares: African/African-American, 0.0013%; no homozygotes.

Submissions (2):

Ambry Genetics
Classification: Uncertain significance for Primary ciliary dyskinesia. Last evaluated: 2025-03-28. Review status: criteria provided, single submitter. Criteria: Ambry Variant Classification Scheme 2023. Collection method: clinical testing. Allele origin: germline.

Labcorp Genetics (formerly Invitae), Labcorp
Classification: Uncertain significance for Primary ciliary dyskinesia. Last evaluated: 2021-08-27. Review status: criteria provided, single submitter. Criteria: Invitae Variant Classification Sherloc (09022015). Collection method: clinical testing. Allele origin: germline.
Comment: This sequence change replaces aspartic acid with asparagine at codon 4258 of the DNAH5 protein (p.Asp4258Asn). The aspartic acid residue is highly conserved and there is a small physicochemical difference between aspartic acid and asparagine. This variant is not present in population databases (ExAC no frequency). This variant has not been reported in the literature in individuals affected with DNAH5-related conditions. Algorithms developed to predict the effect of missense changes on protein structure and function are either unavailable or do not agree on the potential impact of this missense change (SIFT: "Tolerated"; PolyPhen-2: "Possibly Damaging"; Align-GVGD: "Class C0"). In summary, the available evidence is currently insufficient to determine the role of this variant in disease. Therefore, it has been classified as a Variant of Uncertain Significance.

NM_001369.3(DNAH5):c.12772G>A (p.Asp4258Asn)

Gene: DNAH5 (dynein axonemal heavy chain 5; minus strand). Cytogenetic location: 5p15.2.
Variant type: single nucleotide variant.
Coding change: c.12772G>A on transcript NM_001369.3 (MANE Select); coding-DNA position 12772, G replaced by A.
Protein change: p.Asp4258Asn; replaces aspartic acid 4258 with asparagine.
Molecular consequence: missense variant.
Genome position (GRCh38, 1-based): chr5:13,716,624, C>T on the plus strand (G>A on the coding strand, the complement: DNAH5 is on the minus strand). VCF-style: chr5-13716624-C-T. GRCh37 (hg19) VCF-style: chr5-13716733-C-T.
Other names: c.12772G>A (NM_001369.2); short protein forms D4258N.
Identifiers: ClinVar variation 1363325 (VCV001363325.6), dbSNP rs1354484933, ClinGen allele CA359204225.